The following is an entry in ClinVar:

NM_170601.5(SIAE):c.197_200del (p.Glu66fs)

Gene: SIAE (sialic acid acetylesterase; minus strand). Cytogenetic location: 11q24.2.
Variant type: Deletion.
Coding change: c.197_200del on transcript NM_170601.5 (MANE Select); coding-DNA positions 197 to 200, 4 bases deleted (AAAC; older notation c.197_200delAAAC).
Protein change: p.Glu66fs; shifts the reading frame from glutamic acid 66.
Molecular consequence: frameshift variant.
Genome position (GRCh38, 1-based): chr11:124,669,389-124,669,392, GTTT deleted on the plus strand (AAAC on the coding strand, the reverse complement: SIAE is on the minus strand). VCF-style (leftmost placement, unchanged base first): chr11-124669388-GGTTT-G. GRCh37 (hg19) VCF-style: chr11-124539284-GGTTT-G.
Other names: c.92_95del, p.Glu31fs (NM_001199922.2); short protein forms E31fs, E66fs.
Identifiers: ClinVar variation 2103588 (VCV002103588.4), dbSNP rs771231845, ClinGen allele CA6341635.
Genomic context (GRCh38, chr11:124,669,388, plus strand): 5'-GCAATAGCTGAACGGAAGATGGGCTGCCTTACCTTTCACACTGGTCACTTTCTTCATGAT[GGTTT>G]CCTGACCTTGGCGCAGGGTCACGGTCACTGTGGCTCCAGGTGTACCGAAGCCCCATATCA-3'

ClinVar aggregate classification (germline): Uncertain significance (1 of 4 stars; one submission).

Allele frequency attached by ClinVar (database versions not stated): ExAC 0.00001.

Submission:

Labcorp Genetics (formerly Invitae), Labcorp
Classification: Uncertain significance. Last evaluated: 2022-08-17. Review status: criteria provided, single submitter. Criteria: Invitae Variant Classification Sherloc (09022015). Collection method: clinical testing. Allele origin: germline.
Comment: This variant has not been reported in the literature in individuals affected with SIAE-related conditions. This sequence change creates a premature translational stop signal (p.Glu66Alafs*3) in the SIAE gene. It is expected to result in an absent or disrupted protein product. However, the current clinical and genetic evidence is not sufficient to establish whether loss-of-function variants in SIAE cause disease. This variant is not present in population databases (gnomAD no frequency). In summary, the available evidence is currently insufficient to determine the role of this variant in disease. Therefore, it has been classified as a Variant of Uncertain Significance.